The following is an entry in ClinVar:

NM_015057.5(MYCBP2):c.12875A>G (p.His4292Arg)

Gene: MYCBP2 (MYC binding protein 2; minus strand). Cytogenetic location: 13q22.3.
Variant type: single nucleotide variant.
Coding change: c.12875A>G on transcript NM_015057.5 (MANE Select); coding-DNA position 12875, A replaced by G.
Protein change: p.His4292Arg; replaces histidine 4292 with arginine.
Molecular consequence: missense variant.
Genome position (GRCh38, 1-based): chr13:77,061,690, T>C on the plus strand (A>G on the coding strand, the complement: MYCBP2 is on the minus strand). VCF-style: chr13-77061690-T-C. GRCh37 (hg19) VCF-style: chr13-77635825-T-C.
Other names: short protein forms H4292R.
Identifiers: ClinVar variation 2503346 (VCV002503346.2), dbSNP rs2502126927, ClinGen allele CA388371225.

ClinVar aggregate classification (germline): Uncertain significance (1 of 4 stars; one submission).

Submission:

GeneDx
Classification: Uncertain significance. Last evaluated: 2025-09-26. Review status: criteria provided, single submitter. Criteria: GeneDx Variant Classification Process June 2021. Collection method: clinical testing. Allele origin: germline.
Comment: Not observed at significant frequency in large population cohorts (gnomAD); In silico analysis supports that this missense variant has a deleterious effect on protein structure/function; Has not been previously published as pathogenic or benign to our knowledge